The following is an entry in ClinVar:

NM_001040142.2(SCN2A):c.2938G>C (p.Ala980Pro)

Gene: SCN2A (sodium voltage-gated channel alpha subunit 2; plus strand). Cytogenetic location: 2q24.3.
Variant type: single nucleotide variant.
Coding change: c.2938G>C on transcript NM_001040142.2 (MANE Select); coding-DNA position 2938, G replaced by C.
Protein change: p.Ala980Pro; replaces alanine 980 with proline.
Molecular consequence: missense variant.
Genome position (GRCh38, 1-based): chr2:165,354,210, G>C. VCF-style: chr2-165354210-G-C. GRCh37 (hg19) VCF-style: chr2-166210720-G-C.
Other names: c.2938G>C, p.Ala980Pro (NM_001040143.2, NM_001371246.1, NM_001371247.1 and 1 more transcripts); short protein forms A980P.
Identifiers: ClinVar variation 3053550 (VCV003053550.2), dbSNP rs2468035584, ClinGen allele CA349019399.

ClinVar aggregate classification (germline): Likely pathogenic (0 of 4 stars; one submission).

Conditions:
SCN2A-related disorder. Also called: SCN2A-related disorders; SCN2A-related condition. Identifiers: MedGen CN382226, MONDO:1060245.

Submission:

PreventionGenetics, part of Exact Sciences
Classification: Likely pathogenic for SCN2A-related condition. Last evaluated: 2023-11-08. Review status: no assertion criteria provided. Collection method: clinical testing. Allele origin: germline.
Comment: The SCN2A c.2938G>C variant is predicted to result in the amino acid substitution p.Ala980Pro. To our knowledge, this variant has not been reported in the literature or in a large population database, indicating this variant is rare. This variant is interpreted as likely pathogenic.